The following is an entry in ClinVar:

NM_001164508.2(NEB):c.6947_6954del (p.Leu2316fs)

Gene: NEB (nebulin; minus strand). Cytogenetic location: 2q23.3.
Variant type: Deletion.
Coding change: c.6947_6954del on transcript NM_001164508.2 (MANE Select); coding-DNA positions 6947 to 6954, 8 bases deleted (TTGGCCAC; older notation c.6947_6954delTTGGCCAC).
Protein change: p.Leu2316fs; shifts the reading frame from leucine 2316.
Molecular consequence: frameshift variant.
Genome position (GRCh38, 1-based): chr2:151,650,847-151,650,854, GTGGCCAA deleted on the plus strand (TTGGCCAC on the coding strand, the reverse complement: NEB is on the minus strand); deleting any 8 consecutive bases within chr2:151,650,847-151,650,856 gives the same sequence; the c. name uses the placement nearest the transcript's 3' end. VCF-style (leftmost placement, unchanged base first): chr2-151650846-GGTGGCCAA-G. GRCh37 (hg19) VCF-style: chr2-152507360-GGTGGCCAA-G.
Other names: NM_001164508.2(NEB):c.6947_6954del; p.Leu2316fs; c.6947_6954del, p.Leu2316fs (NM_001164507.2, NM_001271208.2, NM_004543.5); c.6947_6954del (NM_001271208.1); c.6945_6952delACTTGGCC, p.Leu2316Profs (NM_001271208.1); short protein forms L2316fs.
Identifiers: ClinVar variation 2025811 (VCV002025811.7), dbSNP rs1558826853, ClinGen allele CA537030686.

ClinVar aggregate classification (germline): Pathogenic/Likely pathogenic. Review status: criteria provided, multiple submitters, no conflicts (2 of 4 stars). 4 submissions from 4 submitters: Pathogenic (2); Likely pathogenic (2). Last evaluated 2025-03-18.

Conditions:
Arthrogryposis multiplex congenita 6. Identifiers: MedGen C5543431, MONDO:0030281, OMIM 619334.
Nemaline myopathy. Also called: Myopathies, Nemaline. Identifiers: Orphanet 607, MedGen C0206157, MONDO:0018958.
Nemaline myopathy 2 (NEM2). Also called: Nemaline myopathy 2, autosomal recessive. Identifiers: MedGen C1850569, MONDO:0009725, OMIM 256030.

Submissions (4):

Broad Center for Mendelian Genomics, Broad Institute of MIT and Harvard
Classification: Likely pathogenic for Nemaline myopathy. Last evaluated: 2025-03-18. Review status: criteria provided, single submitter. Criteria: ACMG Guidelines, 2015. Collection method: curation. Allele origin: germline. Inheritance: Autosomal recessive inheritance.
Comment: The p.Leu2316ProfsTer10 variant in NEB has not been previously reported in the literature in individuals with nemaline myopathy, but has been identified in 0.002% (17/1111384) of European (non-Finnish) chromosomes by the Genome Aggregation Database (gnomAD; dbSNP ID: rs759146938). Although this variant has been seen in the general population in a heterozygous state, its frequency is low enough to be consistent with a recessive carrier frequency. This variant has also been reported in ClinVar (Variation ID: 2025811) and has been interpreted as pathogenic by Invitae. This variant is predicted to cause a frameshift, which alters the protein‚Äôs amino acid sequence beginning at position 2316 and leads to a premature termination codon 10 amino acids downstream. This alteration is then predicted to lead to a truncated or absent protein. Loss of function of the NEB gene is an established disease mechanism in autosomal recessive nemaline myopathy. In summary, although additional studies are required to fully establish its clinical significance, this variant is likely pathogenic for autosomal recessive nemaline myopathy. ACMG/AMP Criteria applied: PVS1, PM2_supporting (Richards 2015).

Myriad Genetics, Inc.
Classification: Pathogenic for Nemaline myopathy 2. Last evaluated: 2024-08-30. Review status: criteria provided, single submitter. Criteria: Myriad Autosomal Dominant, Autosomal Recessive and X-Linked Classification Criteria (2023). Collection method: clinical testing. Allele origin: unknown.
Comment: NM_001271208.1(NEB):c.6947_6954del8(L2316Pfs*10) is expected to be pathogenic in the context of NEB-related nemaline myopathy. This variant is predicted to lead to an abnormal or absent protein product due to the creation of a premature termination codon in NEB, a gene where loss-of-function variants are known to be pathogenic. Please note: this variant was assessed in the context of healthy population screening.

Labcorp Genetics (formerly Invitae), Labcorp
Classification: Pathogenic for Nemaline myopathy 2. Last evaluated: 2022-09-01. Review status: criteria provided, single submitter. Criteria: Invitae Variant Classification Sherloc (09022015). Collection method: clinical testing. Allele origin: germline.
Comment: This sequence change creates a premature translational stop signal (p.Leu2316Profs*10) in the NEB gene. It is expected to result in an absent or disrupted protein product. Loss-of-function variants in NEB are known to be pathogenic (PMID: 25205138). For these reasons, this variant has been classified as Pathogenic. This variant has not been reported in the literature in individuals affected with NEB-related conditions. This variant is present in population databases (no rsID available, gnomAD 0.002%).

Baylor Genetics
Classification: Likely pathogenic for Arthrogryposis multiplex congenita 6. Last evaluated: 2022-02-14. Review status: criteria provided, single submitter. Criteria: ACMG Guidelines, 2015. Collection method: clinical testing. Allele origin: unknown.

Literature cited by the submitters: PubMed 25205138 (cited by Labcorp Genetics (formerly Invitae), Labcorp).